The following is an entry in ClinVar:

ClinVar aggregate classification (germline): Benign/Likely benign. Review status: criteria provided, multiple submitters, no conflicts (2 of 4 stars). 3 submissions from 3 submitters: Benign (1); Likely benign (2). Last evaluated 2024-10-23.

Conditions:
Birt-Hogg-Dube syndrome. Also called: Birt Hogg Dubé syndrome. Identifiers: Orphanet 122, MedGen C0346010, MONDO:0800444.
Birt-Hogg-Dube syndrome 1 (BHD1). Also called: FIBROFOLLICULOMAS WITH TRICHODISCOMAS AND ACROCHORDONS. Identifiers: Orphanet 122, MedGen CN375946, MONDO:0800445, OMIM 135150.
Hereditary cancer-predisposing syndrome. Also called: Neoplastic Syndromes, Hereditary; Hereditary Cancer Syndrome; Hereditary neoplastic syndrome; Tumor predisposition. Identifiers: Orphanet 140162, MedGen C0027672, MeSH D009386, MONDO:0015356.

Submissions (3):

Myriad Genetics, Inc.
Classification: Benign for Birt-Hogg-Dube syndrome 1. Last evaluated: 2024-10-23. Review status: criteria provided, single submitter. Criteria: Myriad Autosomal Dominant, Autosomal Recessive and X-Linked Classification Criteria (2023). Collection method: clinical testing. Allele origin: unknown.
Comment: This variant is considered benign. This variant is a silent/synonymous amino acid change and it is not expected to impact splicing.

Labcorp Genetics (formerly Invitae), Labcorp
Classification: Likely benign for Birt-Hogg-Dube syndrome. Last evaluated: 2024-01-29. Review status: criteria provided, single submitter. Criteria: Invitae Variant Classification Sherloc (09022015). Collection method: clinical testing. Allele origin: germline.

Ambry Genetics
Classification: Likely benign for Hereditary cancer-predisposing syndrome. Last evaluated: 2022-04-10. Review status: criteria provided, single submitter. Criteria: Ambry Variant Classification Scheme 2023. Collection method: clinical testing. Allele origin: germline.

NM_144997.7(FLCN):c.582G>A (p.Arg194=)

Gene: FLCN (folliculin; minus strand). Cytogenetic location: 17p11.2.
Variant type: single nucleotide variant.
Coding change: c.582G>A on transcript NM_144997.7 (MANE Select); coding-DNA position 582, G replaced by A.
Protein change: p.Arg194=; no amino-acid change (arginine 194 retained).
Molecular consequence: synonymous variant.
Genome position (GRCh38, 1-based): chr17:17,223,958, C>T on the plus strand (G>A on the coding strand, the complement: FLCN is on the minus strand). VCF-style: chr17-17223958-C-T. GRCh37 (hg19) VCF-style: chr17-17127272-C-T.
Other names: c.636G>A, p.Arg212= (NM_001353229.2); c.582G>A, p.Arg194= (NM_001353230.2, NM_001353231.2, NM_144606.7).
Identifiers: ClinVar variation 1115330 (VCV001115330.10), dbSNP rs1044621561, ClinGen allele CA288316996.
Genomic context (GRCh38, chr17:17,223,958, plus strand): 5'-CCGGCACCTCATCTCTGAATTCACCTTGAGCGCCTTGCCCTGGAGCTCATCGATGATTCC[C>T]CGGACCTTCCCCAGCAGGAAGGGCCAGGAGTTGATGAGGTAGATCCGGTCCATCATGATG-3'
Protein context (NP_659434.2, residues 184-204): NSWPFLLGKV[Arg194=]GIIDELQGKA